The following is an entry in ClinVar:

ClinVar aggregate classification (germline): Likely benign. Review status: criteria provided, single submitter (1 of 4 stars). 2 submissions from 1 submitter: Likely benign (2). Last evaluated 2018-01-12.

Conditions:
Nephropathic cystinosis (CTNS). Also called: CYSTINOSIN, DEFECT OF; LYSOSOMAL CYSTINE TRANSPORT PROTEIN, DEFECT OF; Abderhalden Lignac Kaufmann disease; Abderhalden-Kaufmann-Lignac syndrome. Identifiers: Orphanet 213, Orphanet 411629, MedGen C2931187, MONDO:0100151, OMIM 219800.
Ocular cystinosis. Also called: Non-Nephropathic (Ocular) Cystinosis; Non-Nephropathic Cystinosis. Identifiers: Orphanet 213, Orphanet 411641, MedGen C2931013, MONDO:0009064, OMIM 219750.

Allele frequency attached by ClinVar (database versions not stated): 1000 Genomes Project 30x 0.00500; 1000 Genomes Project 0.00519; gnomAD 0.00637 and 0.00686; TOPMed 0.00687.
gnomAD v4.1: 961 of 152,210 alleles (0.63%); highest among the groups gnomAD compares: African/African-American, 2.2%; 16 homozygotes.

Submissions (2):

Illumina Laboratory Services, Illumina
Classification: Likely benign for Ocular cystinosis. Last evaluated: 2018-01-12. Review status: criteria provided, single submitter. Criteria: ICSL Variant Classification Criteria 13 December 2019. Collection method: clinical testing. Allele origin: germline.
Comment: This variant was observed in the ICSL laboratory as part of a predisposition screen in an ostensibly healthy population. It had not been previously curated by ICSL or reported in the Human Gene Mutation Database (HGMD: prior to June 1st, 2018), and was therefore a candidate for classification through an automated scoring system. Utilizing variant allele frequency, disease prevalence and penetrance estimates, and inheritance mode, an automated score was calculated to assess if this variant is too frequent to cause the disease. Based on the score and internal cut-off values, a variant classified as likely benign is not then subjected to further curation. The score for this variant resulted in a classification of likely benign for this disease.

Illumina Laboratory Services, Illumina
Classification: Likely benign for Nephropathic cystinosis. Last evaluated: 2018-01-12. Review status: criteria provided, single submitter. Criteria: ICSL Variant Classification Criteria 13 December 2019. Collection method: clinical testing. Allele origin: germline.
Comment: the same text as in the submission from Illumina Laboratory Services, Illumina above.

NM_004937.3(CTNS):c.*2012C>T

Gene: CTNS (cystinosin, lysosomal cystine transporter; plus strand). Cytogenetic location: 17p13.2.
Variant type: single nucleotide variant.
Coding change: c.*2012C>T on transcript NM_004937.3 (MANE Select); 2012 bases downstream of the stop codon, C replaced by T.
Molecular consequence: 3 prime UTR variant.
Genome position (GRCh38, 1-based): chr17:3,662,381, C>T. VCF-style: chr17-3662381-C-T. GRCh37 (hg19) VCF-style: chr17-3565675-C-T.
Other names: c.*1647C>T (NM_001031681.3, NM_001374492.1); c.*2012C>T (NM_001374493.1, NM_001374494.1, NM_001374495.1 and 1 more transcripts).
Identifiers: ClinVar variation 891950 (VCV000891950.4), dbSNP rs138871128, ClinGen allele CA287023553.